The following is an entry in ClinVar:

ClinVar aggregate classification (germline): Likely pathogenic (1 of 4 stars; one submission).

Conditions:
Cardiovascular phenotype. Identifiers: MedGen CN230736.

Submission:

Ambry Genetics
Classification: Likely pathogenic for Cardiovascular phenotype. Last evaluated: 2022-08-26. Review status: criteria provided, single submitter. Criteria: Ambry Variant Classification Scheme 2023. Collection method: clinical testing. Allele origin: germline.
Comment: The c.7418_7425dupCCAATAAA variant, located in coding exon 24 of the DSP gene, results from a duplication of CCAATAAA at nucleotide position 7418, causing a translational frameshift with a predicted alternate stop codon (p.E2476Pfs*15). This alteration occurs at the 3' terminus of theDSP gene, is not expected to trigger nonsense-mediated mRNA decay, and impacts the last 13% of the protein. However, premature stop codons are typically deleterious in nature and a significant portion of the protein is affected (Ambry internal data). This variant is considered to be rare based on population cohorts in the Genome Aggregation Database (gnomAD). Based on the majority of available evidence to date, this variant is likely to be pathogenic.

NM_004415.4(DSP):c.7418_7425dup (p.Glu2476fs)

Gene: DSP (desmoplakin; plus strand). Cytogenetic location: 6p24.3.
Variant type: Duplication.
Coding change: c.7418_7425dup on transcript NM_004415.4 (MANE Select); coding-DNA positions 7418 to 7425, 8 bases duplicated (CCAATAAA; older notation c.7418_7425dupCCAATAAA).
Protein change: p.Glu2476fs; shifts the reading frame from glutamic acid 2476.
Molecular consequence: frameshift variant.
Genome position (GRCh38, 1-based): chr6:7,584,680-7,584,687, CCAATAAA duplicated; duplicating any 8 consecutive bases within chr6:7,584,677-7,584,687 gives the same sequence; the c. name uses the placement nearest the transcript's 3' end. VCF-style (leftmost placement, unchanged base first): chr6-7584676-G-GAAACCAAT. GRCh37 (hg19) VCF-style: chr6-7584909-G-GAAACCAAT.
Other names: c.5621_5628dup, p.Glu1877fs (NM_001008844.3); c.6089_6096dup, p.Glu2033fs (NM_001319034.2); c.7418_7425dupCCAATAAA (NM_004415.2); short protein forms E2476fs, E1877fs, E2033fs.
Identifiers: ClinVar variation 1758809 (VCV001758809.2), dbSNP rs2533945755, ClinGen allele CA2580075363.